The following is an entry in ClinVar:

ClinVar aggregate classification (germline): Likely pathogenic (1 of 4 stars; one submission).

Conditions:
Rhabdoid tumor predisposition syndrome 1 (RTPS1). Also called: Familial Posterior Fossa Brain Tumor of Infancy. Identifiers: Orphanet 231108, Orphanet 69077, MedGen C1836327, MONDO:0012252, OMIM 609322.

Submission:

Diller/Parad Lab, Dana-Farber/Harvard Cancer Center
Classification: Likely pathogenic for Rhabdoid tumor predisposition syndrome 1. Last evaluated: 2026-05-29. Review status: criteria provided, single submitter. Criteria: ACMG Guidelines, 2015. Collection method: research. Allele origin: germline. Affected: yes.
Comment: It has been classified as Likely Pathogenic using Richards et al (PMID:25741868) based on the following evidence codes: PM2, PVS1.

NM_003073.5(SMARCB1):c.269del (p.Leu90fs)

Gene: SMARCB1 (SWI/SNF related BAF chromatin remodeling complex subunit B1; plus strand). Cytogenetic location: 22q11.23.
Variant type: Deletion.
Coding change: c.269del on transcript NM_003073.5 (MANE Select); coding-DNA position 269, one base deleted (T; older notation c.269delT).
Protein change: p.Leu90fs; shifts the reading frame from leucine 90.
Molecular consequence: frameshift variant.
Genome position (GRCh38, 1-based): chr22:23,793,595, T deleted. VCF-style (leftmost placement, unchanged base first): chr22-23793594-CT-C. GRCh37 (hg19) VCF-style: chr22-24135781-CT-C.
Other names: c.242del, p.Leu81fs (NM_001007468.3, NM_001317946.2); c.269del, p.Leu90fs (NM_001362877.2); short protein forms L81fs, L90fs.
Identifiers: ClinVar variation 4884455 (VCV004884455.1).